The following is an entry in ClinVar:

ClinVar aggregate classification (germline): Benign/Likely benign. Review status: criteria provided, multiple submitters, no conflicts (2 of 4 stars). 8 submissions from 8 submitters: Benign (1); Likely benign (5). 2 of the submissions do not count toward it. Last evaluated 2025-10-26.

Conditions:
CDH1-related disorder. Also called: CDH1-related condition.
Hereditary diffuse gastric adenocarcinoma (HDGC). Also called: DIFFUSE GASTRIC AND LOBULAR BREAST CANCER SYNDROME. Identifiers: Orphanet 26106, MedGen C1708349, MONDO:0007648, OMIM 137215.
Hereditary cancer-predisposing syndrome. Also called: Hereditary Cancer Syndrome; Neoplastic Syndromes, Hereditary; Tumor predisposition; Hereditary neoplastic syndrome. Identifiers: Orphanet 140162, MedGen C0027672, MeSH D009386, MONDO:0015356.

Allele frequency attached by ClinVar (database versions not stated): gnomAD 0.00001; gnomAD exomes 0.00001; TOPMed 0.00001.
gnomAD v4.1: 5 of 1,614,000 alleles (0.00031%); highest among the groups gnomAD compares: Non-Finnish European, 0.00042%; no homozygotes.

Submissions (8):

Labcorp Genetics (formerly Invitae), Labcorp
Classification: Likely benign for Hereditary diffuse gastric adenocarcinoma. Last evaluated: 2025-10-26. Review status: criteria provided, single submitter. Criteria: Invitae Variant Classification Sherloc (09022015). Collection method: clinical testing. Allele origin: germline.

Myriad Genetics, Inc.
Classification: Benign for Hereditary diffuse gastric adenocarcinoma. Last evaluated: 2023-03-03. Review status: criteria provided, single submitter. Criteria: Myriad Autosomal Dominant, Autosomal Recessive and X-Linked Classification Criteria (2023). Collection method: clinical testing. Allele origin: unknown.
Comment: This variant is considered benign. This variant is a silent/synonymous amino acid change and it is not expected to impact splicing.

Genetic Services Laboratory, University of Chicago
Classification: Likely benign. Last evaluated: 2020-05-01. Review status: criteria provided, single submitter. Criteria: ACMG Guidelines, 2015. Collection method: clinical testing. Allele origin: germline. Affected: no.

GeneDx
Classification: Likely benign. Last evaluated: 2019-07-18. Review status: criteria provided, single submitter. Criteria: GeneDx Variant Classification Process June 2021. Collection method: clinical testing. Allele origin: germline. Affected: yes.

Color Diagnostics, LLC DBA Color Health
Classification: Likely benign for Hereditary cancer-predisposing syndrome. Last evaluated: 2016-07-12. Review status: criteria provided, single submitter. Criteria: ACMG Guidelines, 2015. Collection method: clinical testing. Allele origin: germline.

Ambry Genetics
Classification: Likely benign for Hereditary cancer-predisposing syndrome. Last evaluated: 2014-10-03. Review status: criteria provided, single submitter. Criteria: Ambry Variant Classification Scheme 2023. Collection method: clinical testing. Allele origin: germline.

PreventionGenetics, part of Exact Sciences
Classification: Likely benign for CDH1-related condition. Last evaluated: 2022-12-22. Review status: no assertion criteria provided. Collection method: clinical testing. Allele origin: germline. Not counted in ClinVar's aggregate classification.
Comment: This variant is classified as likely benign based on ACMG/AMP sequence variant interpretation guidelines (Richards et al. 2015 PMID: 25741868, with internal and published modifications).

Counsyl
Classification: Likely benign for Hereditary diffuse gastric adenocarcinoma. Last evaluated: 2016-06-22. Review status: no assertion criteria provided. Collection method: clinical testing. Allele origin: unknown. Not counted in ClinVar's aggregate classification.

NM_004360.5(CDH1):c.582C>T (p.Gly194=)

Gene: CDH1 (cadherin 1; plus strand). Cytogenetic location: 16q22.1.
Variant type: single nucleotide variant.
Coding change: c.582C>T on transcript NM_004360.5 (MANE Select); coding-DNA position 582, C replaced by T.
Protein change: p.Gly194=; no amino-acid change (glycine 194 retained).
Molecular consequence: synonymous variant. On other transcripts: 5 prime UTR variant (2).
Genome position (GRCh38, 1-based): chr16:68,808,743, C>T. VCF-style: chr16-68808743-C-T. GRCh37 (hg19) VCF-style: chr16-68842646-C-T.
Other names: c.582C>T (LRG_301t1, NM_004360.4); c.582C>T, p.Gly194= (NM_001317184.2); c.-1034C>T (NM_001317185.2); c.-1238C>T (NM_001317186.2).
Identifiers: ClinVar variation 186403 (VCV000186403.28), dbSNP rs786202924, ClinGen allele CA194724.
Genomic context (GRCh38, chr16:68,808,743, plus strand): 5'-TTGTCTTCAGATCAAATCCAACAAAGACAAAGAAGGCAAGGTTTTCTACAGCATCACTGG[C>T]CAAGGAGCTGACACACCCCCTGTTGGTGTCTTTATTATTGAAAGAGAAACAGGATGGCTG-3'
Protein context (NP_004351.1, residues 184-204): KEGKVFYSIT[Gly194=]QGADTPPVGV